The following is an entry in ClinVar:

NM_001457.4(FLNB):c.7150C>A (p.Pro2384Thr)

Genes: FLNB (filamin B; plus strand), FLNB-AS1 (FLNB antisense RNA 1; minus strand). Cytogenetic location: 3p14.3.
Variant type: single nucleotide variant.
Coding change: c.7150C>A on transcript NM_001457.4 (MANE Select); coding-DNA position 7150, C replaced by A.
Protein change: p.Pro2384Thr; replaces proline 2384 with threonine.
Molecular consequence: missense variant. On other transcripts: non-coding transcript variant (1).
Genome position (GRCh38, 1-based): chr3:58,163,282, C>A. VCF-style: chr3-58163282-C-A. GRCh37 (hg19) VCF-style: chr3-58149009-C-A.
Other names: c.7243C>A, p.Pro2415Thr (NM_001164317.2); c.7117C>A, p.Pro2373Thr (NM_001164318.2); c.7078C>A, p.Pro2360Thr (NM_001164319.2); short protein forms P2360T, P2373T, P2384T, P2415T.
Identifiers: ClinVar variation 4534900 (VCV004534900.6).

ClinVar aggregate classification (germline): Uncertain significance (1 of 4 stars; one submission).

Submission:

CeGaT Center for Human Genetics Tuebingen
Classification: Uncertain significance. Last evaluated: 2025-09-01. Review status: criteria provided, single submitter. Criteria: CeGaT Center For Human Genetics Tuebingen Variant Classification Criteria Version 2. Collection method: clinical testing. Allele origin: germline. Affected: yes. Observed: 1 variant allele.
Comment: FLNB: PM2